The following is an entry in ClinVar:

ClinVar aggregate classification (germline): Pathogenic/Likely pathogenic. Review status: criteria provided, multiple submitters, no conflicts (2 of 4 stars). 3 submissions from 3 submitters: Pathogenic (1); Likely pathogenic (2). Last evaluated 2024-11-05.

Conditions:
ADGRV1-related disorder. Also called: ADGRV1-related condition; ADGRV1-related disorders.
Usher syndrome. Also called: Usher's syndrome; Usher Syndromes. Identifiers: Orphanet 886, MedGen CN469326, MeSH D052245, MONDO:0019501. Disease mechanism: loss of function.

Submissions (3):

Labcorp Genetics (formerly Invitae), Labcorp
Classification: Pathogenic. Last evaluated: 2024-11-05. Review status: criteria provided, single submitter. Criteria: Invitae Variant Classification Sherloc (09022015). Collection method: clinical testing. Allele origin: germline.
Comment: This sequence change creates a premature translational stop signal (p.Asn5479Thrfs*11) in the ADGRV1 gene. It is expected to result in an absent or disrupted protein product. Loss-of-function variants in ADGRV1 are known to be pathogenic (PMID: 19357117, 22135276, 22147658, 26226137, 30718709, 31047384, 32467589). This variant is not present in population databases (gnomAD no frequency). This variant has not been reported in the literature in individuals affected with ADGRV1-related conditions. ClinVar contains an entry for this variant (Variation ID: 866710). For these reasons, this variant has been classified as Pathogenic.

Women's Health and Genetics/Laboratory Corporation of America, LabCorp
Classification: Likely pathogenic for Usher syndrome. Last evaluated: 2023-02-20. Review status: criteria provided, single submitter. Criteria: LabCorp Variant Classification Summary - May 2015. Collection method: clinical testing. Allele origin: germline.
Comment: Variant summary: ADGRV1 c.16436delA (p.Asn5479ThrfsX11) results in a premature termination codon, predicted to cause a truncation of the encoded protein or absence of the protein due to nonsense mediated decay, which are commonly known mechanisms for disease. Truncations downstream of this position are associated with Usher Syndrome in HGMD. The variant was absent in 248412 control chromosomes. To our knowledge, no occurrence of c.16436delA in individuals affected with Usher Syndrome and no experimental evidence demonstrating its impact on protein function have been reported. Two ClinVar submitters have submitted clinical-significance assessments for this variant to ClinVar after 2014. All laboratories classified the variant as pathogenic (n=1) or likely pathogenic (n=1). Based on the evidence outlined above, the variant was classified as likely pathogenic.

Blueprint Genetics
Classification: Likely pathogenic for ADGRV1-related disorders. Last evaluated: 2017-08-16. Review status: criteria provided, single submitter. Criteria: ACMG Guidelines, 2015. Collection method: clinical testing. Allele origin: germline. Affected: yes. Observed: 2 variant alleles.

Literature cited by the submitters: PubMed 19357117 (cited by Labcorp Genetics (formerly Invitae), Labcorp); PubMed 22135276 (cited by Labcorp Genetics (formerly Invitae), Labcorp); PubMed 22147658 (cited by Labcorp Genetics (formerly Invitae), Labcorp); PubMed 26226137 (cited by Labcorp Genetics (formerly Invitae), Labcorp); PubMed 30718709 (cited by Labcorp Genetics (formerly Invitae), Labcorp); PubMed 31047384 (cited by Labcorp Genetics (formerly Invitae), Labcorp); PubMed 32467589 (cited by Labcorp Genetics (formerly Invitae), Labcorp).

NM_032119.4(ADGRV1):c.16436del (p.Asn5479fs)

Gene: ADGRV1 (adhesion G protein-coupled receptor V1; plus strand). Cytogenetic location: 5q14.3.
Variant type: Deletion.
Coding change: c.16436del on transcript NM_032119.4 (MANE Select); coding-DNA position 16436, one base deleted (A; older notation c.16436delA).
Protein change: p.Asn5479fs; shifts the reading frame from asparagine 5479.
Molecular consequence: frameshift variant. On other transcripts: non-coding transcript variant (1).
Genome position (GRCh38, 1-based): chr5:90,829,011, A deleted; the last of 2 consecutive A bases (chr5:90,829,010-90,829,011); deleting either gives the same sequence. VCF-style (leftmost placement, unchanged base first): chr5-90829009-CA-C. GRCh37 (hg19) VCF-style: chr5-90124826-CA-C.
Other names: c.16436del (NM_032119.3); short protein forms N5479fs.
Identifiers: ClinVar variation 866710 (VCV000866710.10), dbSNP rs1764301206, ClinGen allele CA916082739.